The following is an entry in ClinVar:

ClinVar aggregate classification (germline): Pathogenic (1 of 4 stars; one submission).

Allele frequency attached by ClinVar (database versions not stated): gnomAD exomes below 0.00001.
gnomAD v4.1: 6 of 1,591,620 alleles (0.00038%); highest among the groups gnomAD compares: Non-Finnish European, 0.00051%; no homozygotes.

Submission:

Labcorp Genetics (formerly Invitae), Labcorp
Classification: Pathogenic. Last evaluated: 2025-12-26. Review status: criteria provided, single submitter. Criteria: Invitae Variant Classification Sherloc (09022015). Collection method: clinical testing. Allele origin: germline.
Comment: This sequence change replaces glycine, which is neutral and non-polar, with arginine, which is basic and polar, at codon 2437 of the COL7A1 protein (p.Gly2437Arg). This variant is not present in population databases (gnomAD no frequency). This missense change has been observed in individual(s) with autosomal recessive dystrophic epidermolysis bullosa (internal data). In at least one individual the data is consistent with being in trans (on the opposite chromosome) from a pathogenic variant. ClinVar contains an entry for this variant (Variation ID: 2810841). Invitae Evidence Modeling of protein sequence and biophysical properties (such as structural, functional, and spatial information, amino acid conservation, physicochemical variation, residue mobility, and thermodynamic stability) indicates that this missense variant is expected to disrupt COL7A1 protein function with a positive predictive value of 95%. This variant disrupts the triple helix domain of COL7A1. Glycine residues within the Gly-Xaa-Yaa repeats of the triple helix domain are required for the structure and stability of fibrillar collagens (PMID: 7695699, 8218237, 19344236), and variants at these glycine residues in COL7A1 are more frequently observed in individuals with disease than in the general population (PMID: 22058051). However, the clinical significance of this observation remains uncertain since only a limited number of affected individuals have been described to date. For these reasons, this variant has been classified as Pathogenic.

Literature cited by the submitters: PubMed 7695699; PubMed 8218237; PubMed 19344236; PubMed 22058051.

NM_000094.4(COL7A1):c.7309G>A (p.Gly2437Arg)

Gene: COL7A1 (collagen type VII alpha 1 chain; minus strand). Cytogenetic location: 3p21.31.
Variant type: single nucleotide variant.
Coding change: c.7309G>A on transcript NM_000094.4 (MANE Select); coding-DNA position 7309, G replaced by A.
Protein change: p.Gly2437Arg; replaces glycine 2437 with arginine.
Molecular consequence: missense variant.
Genome position (GRCh38, 1-based): chr3:48,570,674, C>T on the plus strand (G>A on the coding strand, the complement: COL7A1 is on the minus strand). VCF-style: chr3-48570674-C-T. GRCh37 (hg19) VCF-style: chr3-48608107-C-T.
Other names: short protein forms G2437R.
Identifiers: ClinVar variation 2810841 (VCV002810841.3), dbSNP rs867398712, ClinGen allele CA352647840.